The following is an entry in ClinVar:

ClinVar aggregate classification (germline): Likely benign. Review status: criteria provided, multiple submitters, no conflicts (2 of 4 stars). 3 submissions from 3 submitters: Likely benign (2). 1 of the submissions does not count toward it. Last evaluated 2025-06-03.

Conditions:
Autism spectrum disorder - epilepsy - arthrogryposis syndrome (AMRS). Identifiers: Orphanet 370943, MedGen C3809910, MONDO:0014248, OMIM 615553.
SLC35A3-related disorder. Also called: SLC35A3-related condition.

Allele frequency attached by ClinVar (database versions not stated): TOPMed 0.00002; gnomAD 0.00003.
gnomAD v4.1: 24 of 1,544,824 alleles (0.0016%); highest among the groups gnomAD compares: Middle Eastern, 0.052%; 1 homozygote.

Submissions (3):

Labcorp Genetics (formerly Invitae), Labcorp
Classification: Likely benign for Autism spectrum disorder - epilepsy - arthrogryposis syndrome. Last evaluated: 2025-06-03. Review status: criteria provided, single submitter. Criteria: Invitae Variant Classification Sherloc (09022015). Collection method: clinical testing. Allele origin: germline.

Breakthrough Genomics
Classification: Likely benign. Review status: criteria provided, single submitter. Criteria: ACMG Guidelines, 2015. Collection method: not provided. Allele origin: germline. Inheritance: Autosomal recessive inheritance. Affected: yes.

PreventionGenetics, part of Exact Sciences
Classification: Likely benign for SLC35A3-related condition. Last evaluated: 2019-03-29. Review status: no assertion criteria provided. Collection method: clinical testing. Allele origin: germline. Not counted in ClinVar's aggregate classification.
Comment: This variant is classified as likely benign based on ACMG/AMP sequence variant interpretation guidelines (Richards et al. 2015 PMID: 25741868, with internal and published modifications).

NM_012243.3(SLC35A3):c.765C>T (p.Gly255=)

Gene: SLC35A3 (solute carrier family 35 member A3; plus strand). Cytogenetic location: 1p21.2.
Variant type: single nucleotide variant.
Coding change: c.765C>T on transcript NM_012243.3 (MANE Select); coding-DNA position 765, C replaced by T.
Protein change: p.Gly255=; no amino-acid change (glycine 255 retained).
Molecular consequence: synonymous variant. On other transcripts: intron variant (1).
Genome position (GRCh38, 1-based): chr1:100,017,693, C>T. VCF-style: chr1-100017693-C-T. GRCh37 (hg19) VCF-style: chr1-100483249-C-T.
Other names: c.891C>T, p.Gly297= (NM_001271685.2); c.635-4693C>T (NM_001271684.2); c.765C>T (NM_012243.2).
Identifiers: ClinVar variation 1151394 (VCV001151394.10), dbSNP rs1226277790, ClinGen allele CA419069890.